The following is an entry in ClinVar:

NC_000011.10:g.47342945C>A

Gene: MYBPC3 (myosin binding protein C3; minus strand). Cytogenetic location: 11p11.2.
Variant type: single nucleotide variant.
Genome position: GRCh38 VCF-style: chr11-47342945-C-A. GRCh37 (hg19) VCF-style: chr11-47364496-C-A.
Other names: c.1352-10G>T (LRG_386t1, NM_000256.3).
Identifiers: ClinVar variation 379092 (VCV000379092.8), dbSNP rs745645848, ClinGen allele CA078022.

ClinVar aggregate classification (germline): Likely benign. Review status: criteria provided, multiple submitters, no conflicts (2 of 4 stars). 2 submissions from 2 submitters: Likely benign (2). Last evaluated 2024-01-08.

Conditions:
Hypertrophic cardiomyopathy. Also called: HYPERTROPHIC MYOCARDIOPATHY. Identifiers: Orphanet 217569, MedGen C0007194, MeSH D002312, MONDO:0005045, HP:0001639.

Allele frequency attached by ClinVar (database versions not stated): ExAC 0.00003.
gnomAD v4.1: 4 of 1,610,934 alleles (0.00025%); highest among the groups gnomAD compares: Non-Finnish European, 0.00034%; no homozygotes.

Submissions (2):

Labcorp Genetics (formerly Invitae), Labcorp
Classification: Likely benign for Hypertrophic cardiomyopathy. Last evaluated: 2024-01-08. Review status: criteria provided, single submitter. Criteria: Invitae Variant Classification Sherloc (09022015). Collection method: clinical testing. Allele origin: germline.

GeneDx
Classification: Likely benign. Last evaluated: 2016-06-21. Review status: criteria provided, single submitter. Criteria: GeneDx Variant Classification (06012015). Collection method: clinical testing. Allele origin: germline. Affected: yes.
Comment: This variant is considered likely benign or benign based on one or more of the following criteria: it is a conservative change, it occurs at a poorly conserved position in the protein, it is predicted to be benign by multiple in silico algorithms, and/or has population frequency not consistent with disease.